The following is an entry in ClinVar:

ClinVar aggregate classification (germline): Uncertain significance (1 of 4 stars; one submission).

Conditions:
Aspartylglucosaminuria (AGU). Also called: Aspartylglucos-aminuria; Aspartylglucos-amidase (AGA) deficiency; AGA DEFICIENCY; GLYCOASPARAGINASE; GLYCOSYLASPARAGINASE DEFICIENCY. Identifiers: Orphanet 93, MedGen C0268225, MONDO:0008830, OMIM 208400, HP:0012068.

Submission:

Labcorp Genetics (formerly Invitae), Labcorp
Classification: Uncertain significance for Aspartylglucosaminuria. Last evaluated: 2025-12-01. Review status: criteria provided, single submitter. Criteria: Invitae Variant Classification Sherloc (09022015). Collection method: clinical testing. Allele origin: germline.
Comment: This sequence change replaces serine, which is neutral and polar, with leucine, which is neutral and non-polar, at codon 238 of the AGA protein (p.Ser238Leu). This variant is present in population databases (no rsID available, gnomAD 0.0009%). This variant has not been reported in the literature in individuals affected with AGA-related conditions. Invitae Evidence Modeling of protein sequence and biophysical properties (such as structural, functional, and spatial information, amino acid conservation, physicochemical variation, residue mobility, and thermodynamic stability) indicates that this missense variant is expected to disrupt AGA protein function with a positive predictive value of 80%. In summary, the available evidence is currently insufficient to determine the role of this variant in disease. Therefore, it has been classified as a Variant of Uncertain Significance.

NM_000027.4(AGA):c.713C>T (p.Ser238Leu)

Gene: AGA (aspartylglucosaminidase; minus strand). Cytogenetic location: 4q34.3.
Variant type: single nucleotide variant.
Coding change: c.713C>T on transcript NM_000027.4 (MANE Select); coding-DNA position 713, C replaced by T.
Protein change: p.Ser238Leu; replaces serine 238 with leucine.
Molecular consequence: missense variant. On other transcripts: non-coding transcript variant (1).
Genome position (GRCh38, 1-based): chr4:177,434,475, G>A on the plus strand (C>T on the coding strand, the complement: AGA is on the minus strand). VCF-style: chr4-177434475-G-A. GRCh37 (hg19) VCF-style: chr4-178355629-G-A.
Other names: c.683C>T, p.Ser228Leu (NM_001171988.2); short protein forms S238L, S228L.
Identifiers: ClinVar variation 4705318 (VCV004705318.1).